The following is an entry in ClinVar:

NM_000719.7(CACNA1C):c.1522C>T (p.Arg508Trp)

Gene: CACNA1C (calcium voltage-gated channel subunit alpha1 C; plus strand). Cytogenetic location: 12p13.33.
Variant type: single nucleotide variant.
Coding change: c.1522C>T on transcript NM_000719.7 (MANE Select); coding-DNA position 1522, C replaced by T.
Protein change: p.Arg508Trp; replaces arginine 508 with tryptophan.
Molecular consequence: missense variant.
Genome position (GRCh38, 1-based): chr12:2,566,435, C>T. VCF-style: chr12-2566435-C-T. GRCh37 (hg19) VCF-style: chr12-2675601-C-T.
Other names: c.1522C>T, p.Arg508Trp (NM_001129827.2, NM_001129829.2, NM_001129830.3 and 18 more transcripts); c.1513C>T, p.Arg505Trp (NM_001129844.2); short protein forms R508W, R505W.
Identifiers: ClinVar variation 862628 (VCV000862628.12), dbSNP rs776805699, ClinGen allele CA6388809.

ClinVar aggregate classification (germline): Uncertain significance. Review status: criteria provided, multiple submitters, no conflicts (2 of 4 stars). 3 submissions from 3 submitters: Uncertain significance (3). Last evaluated 2025-05-04.

Conditions:
Cardiovascular phenotype. Identifiers: MedGen CN230736.
Long QT syndrome (LQTS). Identifiers: MedGen C0023976, MeSH D008133, MONDO:0002442. Disease mechanism: loss of function. Inheritance: Various modes of inheritance.

Allele frequency attached by ClinVar (database versions not stated): TOPMed below 0.00001; gnomAD 0.00001; ExAC 0.00002; gnomAD exomes 0.00002.
gnomAD v4.1: 17 of 1,593,782 alleles (0.0011%); highest among the groups gnomAD compares: African/African-American, 0.0013%; no homozygotes.

Submissions (3):

Labcorp Genetics (formerly Invitae), Labcorp
Classification: Uncertain significance for Long QT syndrome. Last evaluated: 2025-05-04. Review status: criteria provided, single submitter. Criteria: Invitae Variant Classification Sherloc (09022015). Collection method: clinical testing. Allele origin: germline.
Comment: This sequence change replaces arginine, which is basic and polar, with tryptophan, which is neutral and slightly polar, at codon 508 of the CACNA1C protein (p.Arg508Trp). The frequency data for this variant in the population databases is considered unreliable, as metrics indicate poor data quality at this position in the gnomAD database. This missense change has been observed in individual(s) with Brugada syndrome (PMID: 26220970). ClinVar contains an entry for this variant (Variation ID: 862628). Invitae Evidence Modeling of protein sequence and biophysical properties (such as structural, functional, and spatial information, amino acid conservation, physicochemical variation, residue mobility, and thermodynamic stability) indicates that this missense variant is expected to disrupt CACNA1C protein function with a positive predictive value of 95%. In summary, the available evidence is currently insufficient to determine the role of this variant in disease. Therefore, it has been classified as a Variant of Uncertain Significance.

GeneDx
Classification: Uncertain significance. Last evaluated: 2024-12-04. Review status: criteria provided, single submitter. Criteria: GeneDx Variant Classification Process June 2021. Collection method: clinical testing. Allele origin: germline. Affected: yes.
Comment: Not observed at significant frequency in large population cohorts (gnomAD); In silico analysis supports that this missense variant has a deleterious effect on protein structure/function; Identified in a patient with Brugada syndrome who harbored additional cardiogenetic variants (PMID: 26220970); This variant is associated with the following publications: (PMID: 26220970)

Ambry Genetics
Classification: Uncertain significance for Cardiovascular phenotype. Last evaluated: 2023-06-26. Review status: criteria provided, single submitter. Criteria: Ambry Variant Classification Scheme 2023. Collection method: clinical testing. Allele origin: germline.
Comment: The p.R508W variant (also known as c.1522C>T), located in coding exon 12 of the CACNA1C gene, results from a C to T substitution at nucleotide position 1522. The arginine at codon 508 is replaced by tryptophan, an amino acid with dissimilar properties. This amino acid position is highly conserved in available vertebrate species. In addition, this alteration is predicted to be deleterious by in silico analysis. Based on data from gnomAD, the frequency for this variant is above the maximum credible frequency for a cardiac disease-causing variant in this gene based on internally established thresholds (Karczewski et al. Nature. 2020 May;581(7809):434-443; Whiffin et al. Genet Med. 2017 10;19:1151-1158). Based on the supporting evidence, the association of this alteration with CACNA1C-related neurodevelopmental disorder is unknown; however, the association of this alteration with CACNA1C-related long QT syndrome or Timothy syndrome is unlikely.

Literature cited by the submitters: PubMed 26220970 (cited by Labcorp Genetics (formerly Invitae), Labcorp and Ambry Genetics).